The following is an entry in ClinVar:

NM_020738.4(KIDINS220):c.3059A>G (p.Glu1020Gly)

Gene: KIDINS220 (kinase D interacting substrate 220; minus strand). Cytogenetic location: 2p25.1.
Variant type: single nucleotide variant.
Coding change: c.3059A>G on transcript NM_020738.4 (MANE Select); coding-DNA position 3059, A replaced by G.
Protein change: p.Glu1020Gly; replaces glutamic acid 1020 with glycine.
Molecular consequence: missense variant. On other transcripts: non-coding transcript variant (2).
Genome position (GRCh38, 1-based): chr2:8,751,597, T>C on the plus strand (A>G on the coding strand, the complement: KIDINS220 is on the minus strand). VCF-style: chr2-8751597-T-C. GRCh37 (hg19) VCF-style: chr2-8891727-T-C.
Other names: c.3062A>G, p.Glu1021Gly (NM_001348729.2, NM_001348731.2, NM_001348734.2 and 2 more transcripts); c.3059A>G, p.Glu1020Gly (NM_001348732.2, NM_001348735.2, NM_001348738.2 and 3 more transcripts); c.2933A>G, p.Glu978Gly (NM_001348736.2); short protein forms E1020G, E1021G, E978G.
Identifiers: ClinVar variation 4995923 (VCV004995923.1).
Genomic context (GRCh38, chr2:8,751,597, plus strand): 5'-ACAAGAACTGGGGTCCTTGAAGACAAAAACACTTCAAAATTTCTTATATCTCCATCAATT[T>C]CAAGAAGTGGCTCAACATCCTTAGTTGTTGGAATATTCTTTGATATTCTTCAAATAAGAA-3'
Protein context (NP_065789.1, residues 1010-1030): PTTKDVEPLL[Glu1020Gly]IDGDIRNFEV

ClinVar aggregate classification (germline): Uncertain significance (1 of 4 stars; one submission).

Conditions:
KIDINS220-related disorder. Also called: KIDINS220-related condition.

Submission:

PreventionGenetics, part of Exact Sciences
Classification: Uncertain significance for KIDINS220-related condition. Last evaluated: 2025-09-16. Review status: criteria provided, single submitter. Criteria: ACMG Guidelines, 2015. Collection method: clinical testing. Allele origin: germline.
Comment: The KIDINS220 c.3059A>G variant is predicted to result in the amino acid substitution p.Glu1020Gly. To our knowledge, this variant has not been reported in the literature or in a large population database (gnomAD), indicating this variant is rare. At this time, the clinical significance of this variant is uncertain due to the absence of conclusive functional and genetic evidence.